The following is an entry in ClinVar:

ClinVar aggregate classification (germline): Pathogenic. Review status: criteria provided, single submitter (1 of 4 stars). 4 submissions from 3 submitters: Pathogenic (1). 3 of the submissions do not count toward it. Last evaluated 2020-07-05.

Conditions:
Charcot-Marie-Tooth disease type 2. Also called: Charcot-Marie-Tooth type 2. Identifiers: Orphanet 64746, MedGen C0270914, MONDO:0018993.
Hutchinson-Gilford progeria syndrome, childhood-onset. Also called: Progeria syndrome, childhood-onset. Identifiers: MedGen C2750285.
Familial partial lipodystrophy, Dunnigan type. Also called: LIPODYSTROPHY, FAMILIAL, OF LIMBS AND LOWER TRUNK; LIPODYSTROPHY, REVERSE PARTIAL; Partial lipodystrophy, Dunnigan. Identifiers: Orphanet 2348, MedGen C1720860, MONDO:0007906, OMIM 151660.

Submissions (4):

Labcorp Genetics (formerly Invitae), Labcorp
Classification: Pathogenic for Charcot-Marie-Tooth disease type 2. Last evaluated: 2020-07-05. Review status: criteria provided, single submitter. Criteria: Invitae Variant Classification Sherloc (09022015). Collection method: clinical testing. Allele origin: germline.
Comment: For these reasons, this variant has been classified as Pathogenic. This variant disrupts the p.Arg133 amino acid residue in LMNA. Other variant(s) that disrupt this residue have been determined to be pathogenic (PMID: 14615128, 11503164). This suggests that this residue is clinically significant, and that variants that disrupt this residue are likely to be disease-causing. This variant has been reported to affect LMNA protein function (PMID: 31293201, 26724531). This variant has been observed in individual(s) with lipodystrophy and clinical features of Hutchinson–Gilford progeria syndrome (PMID: 12629077, 31293201, 16174718). In at least one individual the variant was observed to be de novo. ClinVar contains an entry for this variant (Variation ID: 14488). This variant is not present in population databases (ExAC no frequency). This sequence change replaces arginine with leucine at codon 133 of the LMNA protein (p.Arg133Leu). The arginine residue is highly conserved and there is a moderate physicochemical difference between arginine and leucine.

OMIM
Classification: Pathogenic for LIPODYSTROPHY, FAMILIAL PARTIAL, TYPE 2. Last evaluated: 2005-12-01. Review status: no assertion criteria provided. Collection method: literature only. Allele origin: germline. Not counted in ClinVar's aggregate classification.

OMIM
Classification: Pathogenic for HUTCHINSON-GILFORD PROGERIA SYNDROME, CHILDHOOD-ONSET. Last evaluated: 2005-12-01. Review status: no assertion criteria provided. Collection method: literature only. Allele origin: germline. Not counted in ClinVar's aggregate classification.

Epithelial Biology;  Institute of Medical Biology, Singapore
No classification provided. Review status: no classification provided. Collection method: not provided. Allele origin: not provided. Not counted in ClinVar's aggregate classification.

Literature cited by the submitters: PubMed 14615128 (cited by Labcorp Genetics (formerly Invitae), Labcorp and OMIM); PubMed 11503164 (cited by Labcorp Genetics (formerly Invitae), Labcorp and OMIM); PubMed 31293201 (cited by Labcorp Genetics (formerly Invitae), Labcorp); PubMed 26724531 (cited by Labcorp Genetics (formerly Invitae), Labcorp); PubMed 12629077 (cited by Labcorp Genetics (formerly Invitae), Labcorp and OMIM); PubMed 16174718 (cited by Labcorp Genetics (formerly Invitae), Labcorp and OMIM); PubMed 11792811 (cited by OMIM); PubMed 12927431 (cited by OMIM); PubMed 11015599 (cited by OMIM).

NM_170707.4(LMNA):c.398G>T (p.Arg133Leu)

Genes: LMNA (lamin A/C; plus strand), LOC126805877 (MED14-independent group 3 enhancer GRCh37_chr1:156099693-156100892; plus strand). Cytogenetic location: 1q22.
Variant type: single nucleotide variant.
Coding change: c.398G>T on transcript NM_170707.4 (MANE Select); coding-DNA position 398, G replaced by T.
Protein change: p.Arg133Leu; replaces arginine 133 with leucine.
Molecular consequence: missense variant.
Genome position (GRCh38, 1-based): chr1:156,130,658, G>T. VCF-style: chr1-156130658-G-T. GRCh37 (hg19) VCF-style: chr1-156100449-G-T.
Other names: c.62G>T, p.Arg21Leu (NM_001257374.3); c.155G>T, p.Arg52Leu (NM_001282624.2); c.398G>T, p.Arg133Leu (NM_001282625.2, NM_001282626.2, NM_005572.4 and 1 more transcripts); short protein forms R133L, R21L, R52L.
Identifiers: ClinVar variation 14488 (VCV000014488.12), dbSNP rs60864230, ClinGen allele CA018044.